The following is an entry in ClinVar:

ClinVar aggregate classification (germline): Uncertain significance. Review status: criteria provided, multiple submitters, no conflicts (2 of 4 stars). 3 submissions from 3 submitters: Uncertain significance (3). Last evaluated 2024-10-24.

Conditions:
Ehlers-Danlos syndrome, classic type, 1 (EDSCL1). Also called: EHLERS-DANLOS SYNDROME, GRAVIS TYPE; EHLERS-DANLOS SYNDROME, SEVERE CLASSIC TYPE; Ehlers-Danlos syndrome, type 1; EDS I; Ehlers-Danlos Syndrome, Classic Type, COL5A1-Related. Identifiers: MedGen C0268335, MONDO:0019567, OMIM 130000.
Familial thoracic aortic aneurysm and aortic dissection (TAAD). Also called: Thoracic aortic aneurysms and dissections. Identifiers: Orphanet 91387, MedGen C4707243, MONDO:0019625.

Allele frequency attached by ClinVar (database versions not stated): gnomAD exomes below 0.00001.
gnomAD v4.1: 1 of 1,551,596 alleles (0.000064%); highest among the groups gnomAD compares: Non-Finnish European, 0.000087%; no homozygotes.

Submissions (3):

Labcorp Genetics (formerly Invitae), Labcorp
Classification: Uncertain significance for Ehlers-Danlos syndrome, classic type, 1. Last evaluated: 2024-10-24. Review status: criteria provided, single submitter. Criteria: Invitae Variant Classification Sherloc (09022015). Collection method: clinical testing. Allele origin: germline.
Comment: This sequence change replaces proline, which is neutral and non-polar, with leucine, which is neutral and non-polar, at codon 1323 of the COL5A1 protein (p.Pro1323Leu). This variant is not present in population databases (gnomAD no frequency). This variant has not been reported in the literature in individuals affected with COL5A1-related conditions. ClinVar contains an entry for this variant (Variation ID: 1330485). Invitae Evidence Modeling of protein sequence and biophysical properties (such as structural, functional, and spatial information, amino acid conservation, physicochemical variation, residue mobility, and thermodynamic stability) indicates that this missense variant is not expected to disrupt COL5A1 protein function with a negative predictive value of 80%. In summary, the available evidence is currently insufficient to determine the role of this variant in disease. Therefore, it has been classified as a Variant of Uncertain Significance.

ARUP Laboratories, Molecular Genetics and Genomics, ARUP Laboratories
Classification: Uncertain significance. Last evaluated: 2020-11-20. Review status: criteria provided, single submitter. Criteria: ARUP Molecular Germline Variant Investigation Process 2021. Collection method: clinical testing. Allele origin: germline.
Comment: The COL5A1 c.3968C>T; p.Pro1323Leu variant, to our knowledge, is not reported in the medical literature or gene-specific databases. This variant is also absent from general population databases (Exome Variant Server, Genome Aggregation Database), indicating it is not a common polymorphism. The proline at codon 1323 is highly conserved, and computational analyses predict that this variant is deleterious (REVEL: 0.846). However, due to limited information, the clinical significance of the p.Pro1323Leu variant is uncertain at this time.

Ambry Genetics
Classification: Uncertain significance for Familial thoracic aortic aneurysm and aortic dissection. Last evaluated: 2020-10-06. Review status: criteria provided, single submitter. Criteria: Ambry Variant Classification Scheme 2023. Collection method: clinical testing. Allele origin: germline.
Comment: The p.P1323L variant (also known as c.3968C>T), located in coding exon 50 of the COL5A1 gene, results from a C to T substitution at nucleotide position 3968. The proline at codon 1323 is replaced by leucine, an amino acid with similar properties. This amino acid position is well conserved in available vertebrate species. In addition, this alteration is predicted to be deleterious by in silico analysis. Since supporting evidence is limited at this time, the clinical significance of this alteration remains unclear.

NM_000093.5(COL5A1):c.3968C>T (p.Pro1323Leu)

Gene: COL5A1 (collagen type V alpha 1 chain; plus strand). Cytogenetic location: 9q34.3.
Variant type: single nucleotide variant.
Coding change: c.3968C>T on transcript NM_000093.5 (MANE Select); coding-DNA position 3968, C replaced by T.
Protein change: p.Pro1323Leu; replaces proline 1323 with leucine.
Molecular consequence: missense variant.
Genome position (GRCh38, 1-based): chr9:134,814,858, C>T. VCF-style: chr9-134814858-C-T. GRCh37 (hg19) VCF-style: chr9-137706704-C-T.
Other names: c.3968C>T, p.Pro1323Leu (NM_001278074.1); short protein forms P1323L.
Identifiers: ClinVar variation 1330485 (VCV001330485.16), dbSNP rs2132853817, ClinGen allele CA375456098.
Genomic context (GRCh38, chr9:134,814,858, plus strand): 5'-GACCCAAAGGAGAAAGGGGAGAGAAGGGCGAGTCAGGCCCTTCAGGTGCTGCCGGACCCC[C>T]TGGACCCAAAGGCCCTCCCGGAGATGATGGTCCCAAAGGCAGCCCTGTGAGTATTCCAGA-3'
Protein context (NP_000084.3, residues 1313-1333): ESGPSGAAGP[Pro1323Leu]GPKGPPGDDG